The following is an entry in ClinVar:

NM_212482.4(FN1):c.2366A>G (p.Asn789Ser)

Gene: FN1 (fibronectin 1; minus strand). Cytogenetic location: 2q35.
Variant type: single nucleotide variant.
Coding change: c.2366A>G on transcript NM_212482.4 (MANE Select); coding-DNA position 2366, A replaced by G.
Protein change: p.Asn789Ser; replaces asparagine 789 with serine.
Molecular consequence: missense variant.
Genome position (GRCh38, 1-based): chr2:215,408,360, T>C on the plus strand (A>G on the coding strand, the complement: FN1 is on the minus strand). VCF-style: chr2-215408360-T-C. GRCh37 (hg19) VCF-style: chr2-216273083-T-C.
Other names: c.2366A>G, p.Asn789Ser (NM_001306129.2, NM_001306130.2, NM_001306131.2 and 13 more transcripts); short protein forms N789S.
Identifiers: ClinVar variation 3628001 (VCV003628001.2).
Genomic context (GRCh38, chr2:215,408,360, plus strand): 5'-GTTGTTTGTGAAGTAGACAGGATCAAACTCTGCTCCCCATCCTCAGATATCTGATAGACA[T>C]TTACAATGTATTTTCGGCCAGGAAGCAGGTCAGGGATGTTCACAGAAGTGGCTGTGCTTG-3'
Protein context (NP_997647.2, residues 779-799): DLLPGRKYIV[Asn789Ser]VYQISEDGEQ

ClinVar aggregate classification (germline): Uncertain significance (1 of 4 stars; one submission).

gnomAD v4.1: 3 of 1,614,016 alleles (0.00019%); highest among the groups gnomAD compares: Admixed American, 0.0017%; no homozygotes.

Submission:

Labcorp Genetics (formerly Invitae), Labcorp
Classification: Uncertain significance. Last evaluated: 2024-07-05. Review status: criteria provided, single submitter. Criteria: Invitae Variant Classification Sherloc (09022015). Collection method: clinical testing. Allele origin: germline.
Comment: This sequence change replaces asparagine, which is neutral and polar, with serine, which is neutral and polar, at codon 789 of the FN1 protein (p.Asn789Ser). This variant is present in population databases (no rsID available, gnomAD 0.003%). This variant has not been reported in the literature in individuals affected with FN1-related conditions. Advanced modeling of protein sequence and biophysical properties (such as structural, functional, and spatial information, amino acid conservation, physicochemical variation, residue mobility, and thermodynamic stability) performed at Invitae indicates that this missense variant is not expected to disrupt FN1 protein function with a negative predictive value of 80%. Algorithms developed to predict the effect of sequence changes on RNA splicing suggest that this variant may create or strengthen a splice site. In summary, the available evidence is currently insufficient to determine the role of this variant in disease. Therefore, it has been classified as a Variant of Uncertain Significance.